The following is an entry in ClinVar:

NM_001127222.2(CACNA1A):c.4052G>C (p.Arg1351Pro)

Gene: CACNA1A (calcium voltage-gated channel subunit alpha1 A; minus strand). Cytogenetic location: 19p13.13.
Variant type: single nucleotide variant.
Coding change: c.4052G>C on transcript NM_001127222.2 (MANE Select); coding-DNA position 4052, G replaced by C.
Protein change: p.Arg1351Pro; replaces arginine 1351 with proline.
Molecular consequence: missense variant.
Genome position (GRCh38, 1-based): chr19:13,262,771, C>G on the plus strand (G>C on the coding strand, the complement: CACNA1A is on the minus strand). VCF-style: chr19-13262771-C-G. GRCh37 (hg19) VCF-style: chr19-13373585-C-G.
Other names: c.4064G>C, p.Arg1355Pro (NM_000068.4, NM_023035.3); c.4055G>C, p.Arg1352Pro (NM_001127221.2, NM_001174080.2); short protein forms R1351P, R1352P, R1355P.
Identifiers: ClinVar variation 3376118 (VCV003376118.1).

ClinVar aggregate classification (germline): Likely pathogenic (1 of 4 stars; one submission).

Submission:

GeneDx
Classification: Likely pathogenic. Last evaluated: 2024-05-06. Review status: criteria provided, single submitter. Criteria: GeneDx Variant Classification Process June 2021. Collection method: clinical testing. Allele origin: germline. Affected: yes.
Comment: Not observed at significant frequency in large population cohorts (gnomAD); In silico analysis supports that this missense variant has a deleterious effect on protein structure/function; Has not been previously published as pathogenic or benign to our knowledge; This variant is associated with the following publications: (PMID: 33790770, 33425808)